The following is an entry in ClinVar:

NM_007294.4(BRCA1):c.130del (p.Cys44fs)

Gene: BRCA1 (BRCA1 DNA repair associated; minus strand). Cytogenetic location: 17q21.31.
Variant type: Deletion.
Coding change: c.130del on transcript NM_007294.4 (MANE Select); coding-DNA position 130, one base deleted (T; older notation c.130delT).
Protein change: p.Cys44fs; shifts the reading frame from cysteine 44.
Molecular consequence: frameshift variant. On other transcripts: non-coding transcript variant (1), intron variant (1).
Genome position (GRCh38, 1-based): chr17:43,115,730, A deleted on the plus strand (T on the coding strand, the reverse complement: BRCA1 is on the minus strand); the first of 4 consecutive A bases (chr17:43,115,730-43,115,733); deleting any one gives the same sequence. VCF-style (leftmost placement, unchanged base first): chr17-43115729-CA-C. GRCh37 (hg19) VCF-style: chr17-41267746-CA-C.
Other names: 249delT; 249DELT; c.130delT (NM_007294.3); c.-62delT (NM_001407571.1, NM_001407853.1, NM_001407879.1 and 52 more transcripts); c.127delT, p.Cys44Alafs (NM_001407581.1, NM_001407582.1, NM_001407583.1 and 190 more transcripts); c.-131delT (NM_001407694.1, NM_001407696.1, NM_001407724.1 and 13 more transcripts); c.-135delT (NM_001407695.1, NM_001408465.1); c.-15delT (NM_001407697.1, NM_001407725.1, NM_001407728.1 and 47 more transcripts); and 6 more; short protein forms C44fs.
Identifiers: ClinVar variation 54194 (VCV000054194.18), dbSNP rs80357951, ClinGen allele CA000853.
Genomic context (GRCh38, chr17:43,115,729, plus strand): 5'-TTATGAAGGACAAAAACAAAAGCTAATAATGGAGCCACATAACACATTCAAACTTACTTG[CA>C]AAATATGTGGTCACACTTTGTGGAGACAGGTTCCTTGATCAACTCCAGACTAGCAGGGTA-3'

ClinVar aggregate classification (germline): Pathogenic. Review status: reviewed by expert panel (3 of 4 stars). 10 submissions from 10 submitters: Pathogenic (1). 9 of the submissions do not count toward it. Last evaluated 2016-09-08.

Conditions:
Hereditary cancer-predisposing syndrome. Also called: Tumor predisposition; Neoplastic Syndromes, Hereditary; Hereditary Cancer Syndrome; Hereditary neoplastic syndrome. Identifiers: Orphanet 140162, MedGen C0027672, MeSH D009386, MONDO:0015356.
Hereditary breast ovarian cancer syndrome. Also called: Hereditary breast and ovarian cancer syndrome (HBOC); Hereditary breast and ovarian cancer syndrome; Hereditary breast and ovarian cancer; Hereditary breast and/or ovarian cancer syndrome; Breast and ovarian cancer; BRCA1- and BRCA2-Associated Hereditary Breast and Ovarian Cancer. Identifiers: Orphanet 145, MedGen C0677776, MeSH D061325, MONDO:0003582. Disease mechanism: loss of function.
Breast-ovarian cancer, familial, susceptibility to, 1 (BROVCA1). Also called: OVARIAN CANCER, SUSCEPTIBILITY TO; BRCA1 Hereditary Breast and Ovarian Cancer. Identifiers: Orphanet 145, MedGen C2676676, MONDO:0011450, OMIM 604370. Disease mechanism: loss of function.

Submissions (10):

Evidence-based Network for the Interpretation of Germline Mutant Alleles (ENIGMA)
Classification: Pathogenic for Breast-ovarian cancer, familial, susceptibility to, 1. Last evaluated: 2016-09-08. Review status: reviewed by expert panel. Criteria: ENIGMA BRCA1/2 Classification Criteria (2015). Collection method: curation. Allele origin: germline.
Comment: Variant allele predicted to encode a truncated non-functional protein.

Ambry Genetics
Classification: Pathogenic for Hereditary cancer-predisposing syndrome. Last evaluated: 2025-10-02. Review status: criteria provided, single submitter. Criteria: Ambry Variant Classification Scheme 2023. Collection method: clinical testing. Allele origin: germline. Not counted in ClinVar's aggregate classification.
Comment: The c.130delT pathogenic mutation, located in coding exon 2 of the BRCA1 gene, results from a deletion of one nucleotide at nucleotide position 130, causing a translational frameshift with a predicted alternate stop codon (p.C44Afs*6). This variant is considered to be rare based on population cohorts in the Genome Aggregation Database (gnomAD). This alteration is expected to result in loss of function by premature protein truncation or nonsense-mediated mRNA decay. As such, this alteration is interpreted as a disease-causing mutation.

Labcorp Genetics (formerly Invitae), Labcorp
Classification: Pathogenic for Hereditary breast ovarian cancer syndrome. Last evaluated: 2025-09-15. Review status: criteria provided, single submitter. Criteria: Invitae Variant Classification Sherloc (09022015). Collection method: clinical testing. Allele origin: germline. Not counted in ClinVar's aggregate classification.
Comment: This sequence change creates a premature translational stop signal (p.Cys44Alafs*6) in the BRCA1 gene. It is expected to result in an absent or disrupted protein product. Loss-of-function variants in BRCA1 are known to be pathogenic (PMID: 20104584). This variant is not present in population databases (gnomAD no frequency). This premature translational stop signal has been observed in individual(s) with BRCA1-related conditions (PMID: 21520333). ClinVar contains an entry for this variant (Variation ID: 54194). For these reasons, this variant has been classified as Pathogenic.

Quest Diagnostics Nichols Institute San Juan Capistrano
Classification: Pathogenic. Last evaluated: 2025-03-26. Review status: criteria provided, single submitter. Criteria: Quest Diagnostics criteria. Collection method: clinical testing. Allele origin: unknown. Not counted in ClinVar's aggregate classification.
Comment: The BRCA1 c.130del (p.Cys44Alafs*6) variant alters the translational reading frame of the BRCA1 mRNA and causes the premature termination of BRCA1 protein synthesis. This variant has been identified in the published literature in individuals undergoing hereditary cancer risk testing (PMID: 29446198 (2018), 32719484 (2020)). This variant has not been reported in large, multi-ethnic general populations (Genome Aggregation Database). Based on the available information, this variant is classified as pathogenic.

Baylor Genetics
Classification: Pathogenic for Breast-ovarian cancer, familial, susceptibility to, 1. Last evaluated: 2023-08-30. Review status: criteria provided, single submitter. Criteria: ACMG Guidelines, 2015. Collection method: clinical testing. Allele origin: unknown. Not counted in ClinVar's aggregate classification.

Consortium of Investigators of Modifiers of BRCA1/2 (CIMBA), c/o University of Cambridge
Classification: Pathogenic for Breast-ovarian cancer, familial, susceptibility to, 1. Last evaluated: 2015-10-02. Review status: criteria provided, single submitter. Criteria: CIMBA Mutation Classification guidelines May 2016. Collection method: clinical testing. Allele origin: germline. Not counted in ClinVar's aggregate classification.

GeneDx
Classification: Pathogenic. Last evaluated: 2015-05-05. Review status: criteria provided, single submitter. Criteria: GeneDx Variant Classification (06012015). Collection method: clinical testing. Allele origin: germline. Affected: yes. Not counted in ClinVar's aggregate classification.
Comment: This deletion of one nucleotide in BRCA1 is denoted c.130delT at the cDNA level and p.Cys44AlafsX6 (C44AfsX6) at the protein level. The normal sequence, with the base that is deleted in braces, is ATTT[T]GCAA. The deletion causes a frameshift, which changes a Cysteine to an Alanine at codon 44, and creates a premature stop codon at position 6 of the new reading frame. Although this variant has not, to our knowledge, been reported in the literature, it is predicted to cause loss of normal protein function through either protein truncation or nonsense-mediated mRNA decay. we consider this variant to be pathogenic.

Research Molecular Genetics Laboratory, Women's College Hospital, University of Toronto
Classification: Pathogenic for Hereditary breast ovarian cancer syndrome. Last evaluated: 2014-01-31. Review status: no assertion criteria provided. Collection method: research. Allele origin: germline. Affected: yes. Study: The Canadian Open Genetics Repository (COGR). Not counted in ClinVar's aggregate classification.

Sharing Clinical Reports Project (SCRP)
Classification: Pathogenic for Breast-ovarian cancer, familial 1. Last evaluated: 2012-03-28. Review status: no assertion criteria provided. Collection method: clinical testing. Allele origin: germline. Not counted in ClinVar's aggregate classification.

Breast Cancer Information Core (BIC) (BRCA1)
Classification: Pathogenic for Breast-ovarian cancer, familial 1. Last evaluated: 1999-06-21. Review status: no assertion criteria provided. Collection method: clinical testing. Allele origin: germline. Affected: yes. Observed: 2 variant alleles. Not counted in ClinVar's aggregate classification.

Literature cited by the submitters: PubMed 20104584 (cited by Labcorp Genetics (formerly Invitae), Labcorp); PubMed 21520333 (cited by Labcorp Genetics (formerly Invitae), Labcorp); PubMed 32719484 (cited by Quest Diagnostics Nichols Institute San Juan Capistrano); PubMed 29446198 (cited by Quest Diagnostics Nichols Institute San Juan Capistrano).